The following is an entry in ClinVar:

NM_013275.6(ANKRD11):c.6171C>T (p.Ala2057=)

Gene: ANKRD11 (ankyrin repeat domain 11; minus strand). Cytogenetic location: 16q24.3.
Variant type: single nucleotide variant.
Coding change: c.6171C>T on transcript NM_013275.6 (MANE Select); coding-DNA position 6171, C replaced by T.
Protein change: p.Ala2057=; no amino-acid change (alanine 2057 retained).
Molecular consequence: synonymous variant.
Genome position (GRCh38, 1-based): chr16:89,280,371, G>A on the plus strand (C>T on the coding strand, the complement: ANKRD11 is on the minus strand). VCF-style: chr16-89280371-G-A. GRCh37 (hg19) VCF-style: chr16-89346779-G-A.
Other names: c.6171C>T, p.Ala2057= (NM_001256182.2, NM_001256183.2).
Identifiers: ClinVar variation 3032642 (VCV003032642.15), dbSNP rs774995181, ClinGen allele CA497373174.

ClinVar aggregate classification (germline): Likely benign. Review status: criteria provided, single submitter (1 of 4 stars). 2 submissions from 2 submitters: Likely benign (1). 1 of the submissions does not count toward it. Last evaluated 2024-12-01.

Conditions:
ANKRD11-related disorder. Also called: ANKRD11-related condition.

Allele frequency attached by ClinVar (database versions not stated): TOPMed 0.00001.
gnomAD v4.1: 7 of 1,564,520 alleles (0.00045%); highest among the groups gnomAD compares: East Asian, 0.0045%; no homozygotes.

Submissions (2):

CeGaT Center for Human Genetics Tuebingen
Classification: Likely benign. Last evaluated: 2024-12-01. Review status: criteria provided, single submitter. Criteria: CeGaT Center For Human Genetics Tuebingen Variant Classification Criteria Version 2. Collection method: clinical testing. Allele origin: germline. Affected: yes. Observed: 1 variant allele.
Comment: ANKRD11: BP4, BP7

PreventionGenetics, part of Exact Sciences
Classification: Likely benign for ANKRD11-related condition. Last evaluated: 2020-09-08. Review status: no assertion criteria provided. Collection method: clinical testing. Allele origin: germline. Not counted in ClinVar's aggregate classification.
Comment: This variant is classified as likely benign based on ACMG/AMP sequence variant interpretation guidelines (Richards et al. 2015 PMID: 25741868, with internal and published modifications).